The following is an entry in ClinVar:

ClinVar aggregate classification (germline): Uncertain significance (1 of 4 stars; one submission).

gnomAD v4.1: 2 of 1,204,227 alleles (0.00017%); highest among the groups gnomAD compares: African/African-American, 0.0017%; no homozygotes.

Submission:

Dasa
Classification: Uncertain significance. Last evaluated: 2024-11-18. Review status: criteria provided, single submitter. Criteria: DASA Assertion Criteria. Collection method: clinical testing. Allele origin: germline.
Comment: NM_004463.3(FGD1):c.823G>A (p.Gly275Ser) is a missense variant that results in the substitution of glycine with serine. This variant is rare in population databases. Computational prediction algorithms are consistent with a benign effect. The currently available literature and clinical evidence are not sufficient to establish a definitive association between this variant and the reported condition. Therefore, this variant is classified as a variant of uncertain significance.

NM_004463.3(FGD1):c.823G>A (p.Gly275Ser)

Gene: FGD1 (FYVE, RhoGEF and PH domain containing 1; minus strand). Cytogenetic location: Xp11.22.
Variant type: single nucleotide variant.
Coding change: c.823G>A on transcript NM_004463.3 (MANE Select); coding-DNA position 823, G replaced by A.
Protein change: p.Gly275Ser; replaces glycine 275 with serine.
Molecular consequence: missense variant.
Genome position (GRCh38, 1-based): chrX:54,470,294, C>T on the plus strand (G>A on the coding strand, the complement: FGD1 is on the minus strand). VCF-style: chrX-54470294-C-T. GRCh37 (hg19) VCF-style: chrX-54496727-C-T.
Other names: short protein forms G275S.
Identifiers: ClinVar variation 5021043 (VCV005021043.1).
Genomic context (GRCh38, chrX:54,470,294, plus strand): 5'-CGCTGTTGGATGGCGAGCTGATGCTATCAATGCCGCTGTCCCGGTTGGGCACCTTCTCAC[C>T]GTCCCGGGGCCCAGGAGCCAGCAGAAACAGGCAGCGGGAGGCCTCACCCTCGGGGAGCTG-3'
Protein context (NP_004454.2, residues 265-285): LFLLAPGPRD[Gly275Ser]EKVPNRDSGI